The following is an entry in ClinVar:

ClinVar aggregate classification (germline): Uncertain significance (1 of 4 stars; one submission).

Conditions:
Hypertrophic cardiomyopathy. Also called: HYPERTROPHIC MYOCARDIOPATHY. Identifiers: Orphanet 217569, MedGen C0007194, MeSH D002312, MONDO:0005045, HP:0001639.

Submission:

Labcorp Genetics (formerly Invitae), Labcorp
Classification: Uncertain significance for Hypertrophic cardiomyopathy. Last evaluated: 2023-10-17. Review status: criteria provided, single submitter. Criteria: Invitae Variant Classification Sherloc (09022015). Collection method: clinical testing. Allele origin: germline.
Comment: This sequence change replaces asparagine, which is neutral and polar, with lysine, which is basic and polar, at codon 754 of the MYH7 protein (p.Asn754Lys). This variant is not present in population databases (gnomAD no frequency). This variant has not been reported in the literature in individuals affected with MYH7-related conditions. Advanced modeling of protein sequence and biophysical properties (such as structural, functional, and spatial information, amino acid conservation, physicochemical variation, residue mobility, and thermodynamic stability) performed at Invitae indicates that this missense variant is expected to disrupt MYH7 protein function. In summary, the available evidence is currently insufficient to determine the role of this variant in disease. Therefore, it has been classified as a Variant of Uncertain Significance.

NM_000257.4(MYH7):c.2262C>G (p.Asn754Lys)

Gene: MYH7 (myosin heavy chain 7; minus strand). Cytogenetic location: 14q11.2.
Variant type: single nucleotide variant.
Coding change: c.2262C>G on transcript NM_000257.4 (MANE Select); coding-DNA position 2262, C replaced by G.
Protein change: p.Asn754Lys; replaces asparagine 754 with lysine.
Molecular consequence: missense variant.
Genome position (GRCh38, 1-based): chr14:23,425,719, G>C on the plus strand (C>G on the coding strand, the complement: MYH7 is on the minus strand). VCF-style: chr14-23425719-G-C. GRCh37 (hg19) VCF-style: chr14-23894928-G-C.
Other names: c.2262C>G, p.Asn754Lys (NM_001407004.1); short protein forms N754K.
Identifiers: ClinVar variation 2871814 (VCV002871814.3), dbSNP rs2502287972, ClinGen allele CA389048795.